The following is an entry in ClinVar:

ClinVar aggregate classification (germline): Likely benign. Review status: criteria provided, multiple submitters, no conflicts (2 of 4 stars). 4 submissions from 4 submitters: Likely benign (4). Last evaluated 2025-06-11.

Conditions:
Hereditary cancer-predisposing syndrome. Also called: Hereditary neoplastic syndrome; Hereditary Cancer Syndrome; Neoplastic Syndromes, Hereditary; Tumor predisposition. Identifiers: Orphanet 140162, MedGen C0027672, MeSH D009386, MONDO:0015356.
Familial adenomatous polyposis 2. Also called: MYH-associated polyposis; COLORECTAL ADENOMATOUS POLYPOSIS, AUTOSOMAL RECESSIVE; ADENOMAS, MULTIPLE COLORECTAL, AUTOSOMAL RECESSIVE; MUTYH-related attenuated familial adenomatous polyposis; Adenomas, multiple colorectal; FAP type 2. Identifiers: Orphanet 220460, Orphanet 247798, MedGen C3272841, MONDO:0012041, OMIM 608456.

Allele frequency attached by ClinVar (database versions not stated): gnomAD exomes below 0.00001; TOPMed 0.00001.

Submissions (4):

Labcorp Genetics (formerly Invitae), Labcorp
Classification: Likely benign for Familial adenomatous polyposis 2. Last evaluated: 2025-06-11. Review status: criteria provided, single submitter. Criteria: Invitae Variant Classification Sherloc (09022015). Collection method: clinical testing. Allele origin: germline.

All of Us Research Program, National Institutes of Health
Classification: Likely benign for Familial adenomatous polyposis 2. Last evaluated: 2023-03-23. Review status: criteria provided, single submitter. Criteria: ACMG Guidelines, 2015. Collection method: clinical testing. Allele origin: germline. Inheritance: Autosomal recessive inheritance. Observed: 1 variant allele, 1 heterozygote.
Comment: This study involves interpretation of variants in research participants for the purpose of population health screening. Participant phenotype was not available at the time of variant classification. Additional details can be found in publication PMID: 35346344, PMCID: PMC8962531

Color Diagnostics, LLC DBA Color Health
Classification: Likely benign for Hereditary cancer-predisposing syndrome. Last evaluated: 2017-07-21. Review status: criteria provided, single submitter. Criteria: ACMG Guidelines, 2015. Collection method: clinical testing. Allele origin: germline.

Ambry Genetics
Classification: Likely benign for Hereditary cancer-predisposing syndrome. Last evaluated: 2017-01-19. Review status: criteria provided, single submitter. Criteria: Ambry Variant Classification Scheme 2023. Collection method: clinical testing. Allele origin: germline.

NM_001048174.2(MUTYH):c.180A>G (p.Arg60=)

Gene: MUTYH (mutY DNA glycosylase; minus strand). Cytogenetic location: 1p34.1.
Variant type: single nucleotide variant.
Coding change: c.180A>G on transcript NM_001048174.2 (MANE Select); coding-DNA position 180, A replaced by G.
Protein change: p.Arg60=; no amino-acid change (arginine 60 retained).
Molecular consequence: synonymous variant. On other transcripts: 5 prime UTR variant (4), non-coding transcript variant (2).
Genome position (GRCh38, 1-based): chr1:45,333,497, T>C on the plus strand (A>G on the coding strand, the complement: MUTYH is on the minus strand). VCF-style: chr1-45333497-T-C. GRCh37 (hg19) VCF-style: chr1-45799169-T-C.
Other names: c.180A>G, p.Arg60= (NM_001048171.2, NM_001048173.2, NM_001293195.2); c.183A>G, p.Arg61= (NM_001048172.2); c.264A>G, p.Arg88= (NM_001128425.2); c.225A>G, p.Arg75= (NM_001293190.2); c.213A>G, p.Arg71= (NM_001293191.2); c.-97A>G (NM_001293192.2, NM_001293196.2); c.-92A>G (NM_001350650.2, NM_001350651.2); c.255A>G, p.Arg85= (NM_012222.3).
Identifiers: ClinVar variation 483893 (VCV000483893.17), dbSNP rs1553130310, ClinGen allele CA417880469.